The following is an entry in ClinVar:

NM_000051.4(ATM):c.6199-3del

Genes: ATM (ATM serine/threonine kinase; plus strand), C11orf65 (chromosome 11 open reading frame 65; minus strand). Cytogenetic location: 11q22.3.
Variant type: Deletion.
Coding change: c.6199-3del on transcript NM_000051.4 (MANE Select); 3 bases into the intron before coding-DNA position 6199, one base deleted (T; older notation c.6199-3delT).
Molecular consequence: intron variant.
Genome position (GRCh38, 1-based): chr11:108,317,370, T deleted; the last of 3 consecutive T bases (chr11:108,317,368-108,317,370); deleting any one gives the same sequence. VCF-style (leftmost placement, unchanged base first): chr11-108317367-GT-G. GRCh37 (hg19) VCF-style: chr11-108188094-GT-G.
Other names: c.6199-3del (NM_001351834.2); c.641-8297del (NM_001330368.2); c.*39-8297del (NM_001351110.2); c.6199-3delT (NM_000051.3).
Identifiers: ClinVar variation 423533 (VCV000423533.8), dbSNP rs762251357, ClinGen allele CA6265893.

ClinVar aggregate classification (germline): Uncertain significance. Review status: criteria provided, multiple submitters, no conflicts (2 of 4 stars). 3 submissions from 3 submitters: Uncertain significance (3). Last evaluated 2023-12-08.

Conditions:
Hereditary cancer-predisposing syndrome. Also called: Neoplastic Syndromes, Hereditary; Hereditary Cancer Syndrome; Tumor predisposition; Hereditary neoplastic syndrome. Identifiers: Orphanet 140162, MedGen C0027672, MeSH D009386, MONDO:0015356.

Submissions (3):

Ambry Genetics
Classification: Uncertain significance for Hereditary cancer-predisposing syndrome. Last evaluated: 2023-12-08. Review status: criteria provided, single submitter. Criteria: Ambry Variant Classification Scheme 2023. Collection method: clinical testing. Allele origin: germline.
Comment: The c.6199-3delT intronic variant, located in intron 41 of the ATM gene, results from a deletion of one nucleotide within intron 41 of the ATM gene. This nucleotide position is not well conserved in available vertebrate species. In silico splice site analysis predicts that this alteration will not have any significant effect on splicing. Since supporting evidence is limited at this time, the clinical significance of this alteration remains unclear.

Color Diagnostics, LLC DBA Color Health
Classification: Uncertain significance for Hereditary cancer-predisposing syndrome. Last evaluated: 2020-02-24. Review status: criteria provided, single submitter. Criteria: ACMG Guidelines, 2015. Collection method: clinical testing. Allele origin: germline.
Comment: This variant deletes one nucleotide at the -3 position of intron 42 of the ATM gene. Splice site prediction tools suggest that this variant may impact RNA splicing. However, this prediction has not been confirmed in published RNA studies. This variant has not been reported in individuals affected with hereditary cancer in the literature. This variant has been identified in 2/251254 chromosomes in the general population by the Genome Aggregation Database (gnomAD). The available evidence is insufficient to determine the role of this variant in disease conclusively. Therefore, this variant is classified as a Variant of Uncertain Significance.

GeneDx
Classification: Uncertain significance. Last evaluated: 2017-02-13. Review status: criteria provided, single submitter. Criteria: GeneDx Variant Classification (06012015). Collection method: clinical testing. Allele origin: germline. Affected: yes.
Comment: This variant is denoted ATM c.6199-3delT or IVS42-3delT and consists of a deletion of the T nucleotide at the -3 position of intron 42 of the ATM gene. The normal sequence with the base that is deleted in brackets is tgtt[delt]agGC, where the lowercase are intronic and capital letters are exonic. Multiple in silico models predict this variant to destroy the nearby natural acceptor site and to possibly cause abnormal gene splicing; however, in the absence of RNA or functional studies, the actual effect of this variant is unknown. This variant has not, to our knowledge, been published in the literature as pathogenic or benign. ATM c.6199-3delT was not observed in approximately 6,500 individuals of European and African American ancestry in the NHLBI Exome Sequencing Project, suggesting it is not a common benign variant in these populations. The thymine (T) nucleotide that is altered is not conserved. Based on currently available information, it is unclear whether ATM c.6199-3delTT>- is pathogenic or benign. We consider it to be a variant of uncertain significance.